The following is an entry in ClinVar:

ClinVar aggregate classification (germline): Uncertain significance (1 of 4 stars; one submission).

Conditions:
Cardiovascular phenotype. Identifiers: MedGen CN230736.

Submission:

Ambry Genetics
Classification: Uncertain significance for Cardiovascular phenotype. Last evaluated: 2024-02-15. Review status: criteria provided, single submitter. Criteria: Ambry Variant Classification Scheme 2023. Collection method: clinical testing. Allele origin: germline.
Comment: The p.D137G variant (also known as c.410A>G), located in coding exon 5 of the EMD gene, results from an A to G substitution at nucleotide position 410. The aspartic acid at codon 137 is replaced by glycine, an amino acid with similar properties. This amino acid position is highly conserved in available vertebrate species. In addition, this alteration is predicted to be tolerated by in silico analysis. Based on the available evidence, the clinical significance of this alteration remains unclear.

NM_000117.3(EMD):c.410A>G (p.Asp137Gly)

Gene: EMD (emerin; plus strand). Cytogenetic location: Xq28.
Variant type: single nucleotide variant.
Coding change: c.410A>G on transcript NM_000117.3 (MANE Select); coding-DNA position 410, A replaced by G.
Protein change: p.Asp137Gly; replaces aspartic acid 137 with glycine.
Molecular consequence: missense variant.
Genome position (GRCh38, 1-based): chrX:154,380,763, A>G. VCF-style: chrX-154380763-A-G. GRCh37 (hg19) VCF-style: chrX-153609123-A-G.
Other names: short protein forms D137G.
Identifiers: ClinVar variation 3230340 (VCV003230340.1), dbSNP rs2522789840, ClinGen allele CA415258182.